The following is an entry in ClinVar:

ClinVar aggregate classification (germline): Likely benign (0 of 4 stars; one submission).

Conditions:
HYAL2-related disorder. Also called: HYAL2-related condition.

Allele frequency attached by ClinVar (database versions not stated): ExAC 0.00031; ESP Exome Variant Server 0.00031; TOPMed 0.00033; gnomAD 0.00039; gnomAD exomes 0.00063.
gnomAD v4.1: 985 of 1,612,196 alleles (0.061%); highest among the groups gnomAD compares: Non-Finnish European, 0.078%; no homozygotes.

Submission:

PreventionGenetics, part of Exact Sciences
Classification: Likely benign for HYAL2-related condition. Last evaluated: 2021-09-30. Review status: no assertion criteria provided. Collection method: clinical testing. Allele origin: germline.
Comment: This variant is classified as likely benign based on ACMG/AMP sequence variant interpretation guidelines (Richards et al. 2015 PMID: 25741868, with internal and published modifications).

NM_003773.5(HYAL2):c.963C>T (p.Gly321=)

Gene: HYAL2 (hyaluronidase 2; minus strand). Cytogenetic location: 3p21.31.
Variant type: single nucleotide variant.
Coding change: c.963C>T on transcript NM_003773.5 (MANE Select); coding-DNA position 963, C replaced by T.
Protein change: p.Gly321=; no amino-acid change (glycine 321 retained).
Molecular consequence: synonymous variant.
Genome position (GRCh38, 1-based): chr3:50,319,004, G>A on the plus strand (C>T on the coding strand, the complement: HYAL2 is on the minus strand). VCF-style: chr3-50319004-G-A. GRCh37 (hg19) VCF-style: chr3-50356435-G-A.
Other names: c.963C>T, p.Gly321= (NM_033158.5).
Identifiers: ClinVar variation 3046607 (VCV003046607.2), dbSNP rs140376758, ClinGen allele CA2416175.